The following is an entry in ClinVar:

ClinVar aggregate classification (germline): Likely benign. Review status: criteria provided, multiple submitters, no conflicts (2 of 4 stars). 2 submissions from 2 submitters: Likely benign (2). Last evaluated 2026-03-14.

Conditions:
FOXI1-related disorder. Also called: FOXI1-related condition.

Allele frequency attached by ClinVar (database versions not stated): gnomAD exomes 0.00008; gnomAD 0.00011; TOPMed 0.00019; ExAC 0.00020; 1000 Genomes Project 30x 0.00094.

Submissions (2):

PreventionGenetics, part of Exact Sciences
Classification: Likely benign for FOXI1-related condition. Last evaluated: 2026-03-14. Review status: criteria provided, single submitter. Criteria: ACMG Guidelines, 2015. Collection method: clinical testing. Allele origin: germline.
Comment: This variant is classified as likely benign based on ACMG/AMP sequence variant interpretation guidelines (Richards et al. 2015 PMID: 25741868, with internal and published modifications).

Labcorp Genetics (formerly Invitae), Labcorp
Classification: Likely benign. Last evaluated: 2025-04-24. Review status: criteria provided, single submitter. Criteria: Invitae Variant Classification Sherloc (09022015). Collection method: clinical testing. Allele origin: germline.

NM_012188.5(FOXI1):c.1085A>G (p.Asn362Ser)

Gene: FOXI1 (forkhead box I1; plus strand). Cytogenetic location: 5q35.1.
Variant type: single nucleotide variant.
Coding change: c.1085A>G on transcript NM_012188.5 (MANE Select); coding-DNA position 1085, A replaced by G.
Protein change: p.Asn362Ser; replaces asparagine 362 with serine.
Molecular consequence: missense variant.
Genome position (GRCh38, 1-based): chr5:170,108,559, A>G. VCF-style: chr5-170108559-A-G. GRCh37 (hg19) VCF-style: chr5-169535563-A-G.
Other names: c.1085A>G (NM_012188.4); c.800A>G, p.Asn267Ser (NM_144769.4); short protein forms N267S, N362S.
Identifiers: ClinVar variation 2894081 (VCV002894081.4), dbSNP rs3828625, ClinGen allele CA3555165.